The following is an entry in ClinVar:

ClinVar aggregate classification (germline): Uncertain significance (1 of 4 stars; one submission).

Allele frequency attached by ClinVar (database versions not stated): ExAC 0.00005; gnomAD exomes 0.00006; TOPMed 0.00010; ESP Exome Variant Server 0.00016.

Submission:

Labcorp Genetics (formerly Invitae), Labcorp
Classification: Uncertain significance. Last evaluated: 2022-07-06. Review status: criteria provided, single submitter. Criteria: Invitae Variant Classification Sherloc (09022015). Collection method: clinical testing. Allele origin: germline.
Comment: In summary, the available evidence is currently insufficient to determine the role of this variant in disease. Therefore, it has been classified as a Variant of Uncertain Significance. Experimental studies and prediction algorithms are not available or were not evaluated, and the functional significance of this variant is currently unknown. ClinVar contains an entry for this variant (Variation ID: 1432577). This variant has not been reported in the literature in individuals affected with HTT-related conditions. This variant is present in population databases (rs372734580, gnomAD 0.02%). This sequence change replaces methionine with valine at codon 1380 of the HTT protein (p.Met1380Val). The methionine residue is moderately conserved and there is a small physicochemical difference between methionine and valine.

NM_001388492.1(HTT):c.4132A>G (p.Met1378Val)

Gene: HTT (huntingtin; plus strand). Cytogenetic location: 4p16.3.
Variant type: single nucleotide variant.
Coding change: c.4132A>G on transcript NM_001388492.1 (MANE Select); coding-DNA position 4132, A replaced by G.
Protein change: p.Met1378Val; replaces methionine 1378 with valine.
Molecular consequence: missense variant.
Genome position (GRCh38, 1-based): chr4:3,173,097, A>G. VCF-style: chr4-3173097-A-G. GRCh37 (hg19) VCF-style: chr4-3174824-A-G.
Other names: c.4138A>G, p.Met1380Val (NM_002111.8); short protein forms M1380V, M1378V.
Identifiers: ClinVar variation 1432577 (VCV001432577.6), dbSNP rs372734580, ClinGen allele CA2824318.